The following is an entry in ClinVar:

ClinVar aggregate classification (germline): Uncertain significance (1 of 4 stars; one submission).

Allele frequency attached by ClinVar (database versions not stated): gnomAD exomes below 0.00001.
gnomAD v4.1: 1 of 1,614,214 alleles (0.000062%); highest among the groups gnomAD compares: Admixed American, 0.0017%; no homozygotes.

Submission:

Labcorp Genetics (formerly Invitae), Labcorp
Classification: Uncertain significance. Last evaluated: 2022-10-30. Review status: criteria provided, single submitter. Criteria: Invitae Variant Classification Sherloc (09022015). Collection method: clinical testing. Allele origin: germline.
Comment: Advanced modeling of protein sequence and biophysical properties (such as structural, functional, and spatial information, amino acid conservation, physicochemical variation, residue mobility, and thermodynamic stability) performed at Invitae indicates that this missense variant is expected to disrupt LRP2 protein function. In summary, the available evidence is currently insufficient to determine the role of this variant in disease. Therefore, it has been classified as a Variant of Uncertain Significance. This sequence change replaces asparagine, which is neutral and polar, with tyrosine, which is neutral and polar, at codon 2653 of the LRP2 protein (p.Asn2653Tyr). This variant is present in population databases (no rsID available, gnomAD 0.003%). This variant has not been reported in the literature in individuals affected with LRP2-related conditions.

NM_004525.3(LRP2):c.7957A>T (p.Asn2653Tyr)

Gene: LRP2 (LDL receptor related protein 2; minus strand). Cytogenetic location: 2q31.1.
Variant type: single nucleotide variant.
Coding change: c.7957A>T on transcript NM_004525.3 (MANE Select); coding-DNA position 7957, A replaced by T.
Protein change: p.Asn2653Tyr; replaces asparagine 2653 with tyrosine.
Molecular consequence: missense variant.
Genome position (GRCh38, 1-based): chr2:169,204,030, T>A on the plus strand (A>T on the coding strand, the complement: LRP2 is on the minus strand). VCF-style: chr2-169204030-T-A. GRCh37 (hg19) VCF-style: chr2-170060540-T-A.
Other names: short protein forms N2653Y.
Identifiers: ClinVar variation 1722105 (VCV001722105.6), dbSNP rs1160120152, ClinGen allele CA349167061.